The following is an entry in ClinVar:

ClinVar aggregate classification (germline): Uncertain significance. Review status: criteria provided, multiple submitters, no conflicts (2 of 4 stars). 3 submissions from 3 submitters: Uncertain significance (3). Last evaluated 2025-06-24.

Conditions:
Inborn genetic diseases. Identifiers: MedGen C0950123, MeSH D030342.
Fraser syndrome 1 (FRASRS1). Also called: CRYPTOPHTHALMOS WITH OTHER MALFORMATIONS. Identifiers: Orphanet 2052, MedGen C4551480, MONDO:0054737, OMIM 219000.

Allele frequency attached by ClinVar (database versions not stated): ExAC 0.00002; gnomAD exomes 0.00002 and 0.00003; gnomAD 0.00003 and 0.00004; TOPMed 0.00003; ESP Exome Variant Server 0.00008; 1000 Genomes Project 30x 0.00016; 1000 Genomes Project 0.00020.
gnomAD v4.1: 47 of 1,613,904 alleles (0.0029%); highest among the groups gnomAD compares: Non-Finnish European, 0.0038%; no homozygotes.

Submissions (3):

Ambry Genetics
Classification: Uncertain significance for Inborn genetic diseases. Last evaluated: 2025-06-24. Review status: criteria provided, single submitter. Criteria: Ambry Variant Classification Scheme 2023. Collection method: clinical testing. Allele origin: germline.

Labcorp Genetics (formerly Invitae), Labcorp
Classification: Uncertain significance. Last evaluated: 2022-02-04. Review status: criteria provided, single submitter. Criteria: Invitae Variant Classification Sherloc (09022015). Collection method: clinical testing. Allele origin: germline.
Comment: This sequence change replaces alanine, which is neutral and non-polar, with valine, which is neutral and non-polar, at codon 3909 of the FRAS1 protein (p.Ala3909Val). This variant is present in population databases (rs367860092, gnomAD 0.006%). This variant has not been reported in the literature in individuals affected with FRAS1-related conditions. ClinVar contains an entry for this variant (Variation ID: 906721). Algorithms developed to predict the effect of missense changes on protein structure and function (SIFT, PolyPhen-2, Align-GVGD) all suggest that this variant is likely to be disruptive. In summary, the available evidence is currently insufficient to determine the role of this variant in disease. Therefore, it has been classified as a Variant of Uncertain Significance.

Illumina Laboratory Services, Illumina
Classification: Uncertain significance for Fraser syndrome 1. Last evaluated: 2018-01-13. Review status: criteria provided, single submitter. Criteria: ICSL Variant Classification Criteria 13 December 2019. Collection method: clinical testing. Allele origin: germline.

NM_025074.7(FRAS1):c.11726C>T (p.Ala3909Val)

Gene: FRAS1 (Fraser extracellular matrix complex subunit 1; plus strand). Cytogenetic location: 4q21.21.
Variant type: single nucleotide variant.
Coding change: c.11726C>T on transcript NM_025074.7 (MANE Select); coding-DNA position 11726, C replaced by T.
Protein change: p.Ala3909Val; replaces alanine 3909 with valine.
Molecular consequence: missense variant.
Genome position (GRCh38, 1-based): chr4:78,540,811, C>T. VCF-style: chr4-78540811-C-T. GRCh37 (hg19) VCF-style: chr4-79461965-C-T.
Other names: short protein forms A3909V.
Identifiers: ClinVar variation 906721 (VCV000906721.6), dbSNP rs367860092, ClinGen allele CA2979290.